The following is an entry in ClinVar:

ClinVar aggregate classification (germline): Conflicting classifications of pathogenicity. Review status: criteria provided, conflicting classifications (1 of 4 stars). 5 submissions from 5 submitters: Uncertain significance (1); Benign (2); Likely benign (1). 1 of the submissions does not count toward it. Last evaluated 2026-02-02.

Conditions:
PNPLA6-related disorder. Also called: PNPLA6-related disorders; PNPLA6-related condition.
Hereditary spastic paraplegia 39 (SPG39). Also called: SPASTIC PARAPLEGIA 39, AUTOSOMAL RECESSIVE; Spastic Paraplegia Type 39 (SPG39). Identifiers: Orphanet 139480, MedGen C2677586, MONDO:0012787, OMIM 612020.

Allele frequency attached by ClinVar (database versions not stated): gnomAD exomes 0.00042 and 0.00105; ExAC 0.00183; ESP Exome Variant Server 0.00392; gnomAD 0.00432 and 0.00451; TOPMed 0.00456; 1000 Genomes Project 0.00619; 1000 Genomes Project 30x 0.00750.
gnomAD v4.1: 1,296 of 1,606,888 alleles (0.081%); highest among the groups gnomAD compares: African/African-American, 1.5%; 14 homozygotes.

Submissions (5):

Labcorp Genetics (formerly Invitae), Labcorp
Classification: Benign for Hereditary spastic paraplegia 39. Last evaluated: 2026-02-02. Review status: criteria provided, single submitter. Criteria: Invitae Variant Classification Sherloc (09022015). Collection method: clinical testing. Allele origin: germline.

CeGaT Center for Human Genetics Tuebingen
Classification: Benign. Last evaluated: 2025-11-01. Review status: criteria provided, single submitter. Criteria: CeGaT Center For Human Genetics Tuebingen Variant Classification Criteria Version 2. Collection method: clinical testing. Allele origin: germline. Affected: yes. Observed: 1 variant allele.
Comment: PNPLA6: BP4, BS1, BS2

Blueprint Genetics
Classification: Likely benign. Last evaluated: 2024-07-15. Review status: criteria provided, single submitter. Criteria: ACMG Guidelines, 2015. Collection method: clinical testing. Allele origin: germline.

Athena Diagnostics
Classification: Uncertain significance. Last evaluated: 2017-06-20. Review status: criteria provided, single submitter. Criteria: Athena Diagnostics Criteria. Collection method: clinical testing. Allele origin: germline.

PreventionGenetics, part of Exact Sciences
Classification: Benign for PNPLA6-related condition. Last evaluated: 2019-09-23. Review status: no assertion criteria provided. Collection method: clinical testing. Allele origin: germline. Not counted in ClinVar's aggregate classification.
Comment: This variant is classified as benign based on ACMG/AMP sequence variant interpretation guidelines (Richards et al. 2015 PMID: 25741868, with internal and published modifications).

NM_001166114.2(PNPLA6):c.4073C>T (p.Pro1358Leu)

Gene: PNPLA6 (patatin like domain 6, lysophospholipase; plus strand). Cytogenetic location: 19p13.2.
Variant type: single nucleotide variant.
Coding change: c.4073C>T on transcript NM_001166114.2 (MANE Select); coding-DNA position 4073, C replaced by T.
Protein change: p.Pro1358Leu; replaces proline 1358 with leucine.
Molecular consequence: missense variant.
Genome position (GRCh38, 1-based): chr19:7,561,537, C>T. VCF-style: chr19-7561537-C-T. GRCh37 (hg19) VCF-style: chr19-7626423-C-T.
Other names: c.4103C>T, p.Pro1368Leu (NM_001166111.2); c.3878C>T, p.Pro1293Leu (NM_001166112.2); c.3959C>T, p.Pro1320Leu (NM_001166113.1, NM_006702.5); short protein forms P1320L, P1368L, P1358L, P1293L.
Identifiers: ClinVar variation 448096 (VCV000448096.20), dbSNP rs116012798, ClinGen allele CA9140701.
Genomic context (GRCh38, chr19:7,561,537, plus strand): 5'-TTCCCTCGCAGGAGGAGGAGAAGTCGATTCTCCGGCAACGACGCTGTCTGCCCCAGGAGC[C>T]GCCCGGCTCAGCCACAGATGCCTGAGGACCTCGACAGGGGTCACCCCCTCCCTCCCACCC-3'
Protein context (NP_001159586.1, residues 1348-1365): LRQRRCLPQE[Pro1358Leu]PGSATDA